The following is an entry in ClinVar:

ClinVar aggregate classification (germline): Uncertain significance (1 of 4 stars; one submission).

Conditions:
Lowe syndrome (OCRL). Also called: LOWE OCULOCEREBRORENAL SYNDROME; PHOSPHATIDYLINOSITOL 4,5-BISPHOSPHATE 5-PHOSPHATASE DEFICIENCY; Oculocerebrorenal Syndrome. Identifiers: Orphanet 534, MedGen C0028860, MONDO:0010645, OMIM 309000.

Submission:

Labcorp Genetics (formerly Invitae), Labcorp
Classification: Uncertain significance for Lowe syndrome. Last evaluated: 2023-04-18. Review status: criteria provided, single submitter. Criteria: Invitae Variant Classification Sherloc (09022015). Collection method: clinical testing. Allele origin: germline.
Comment: In summary, the available evidence is currently insufficient to determine the role of this variant in disease. Therefore, it has been classified as a Variant of Uncertain Significance. Advanced modeling of protein sequence and biophysical properties (such as structural, functional, and spatial information, amino acid conservation, physicochemical variation, residue mobility, and thermodynamic stability) performed at Invitae indicates that this missense variant is not expected to disrupt OCRL protein function. This variant has not been reported in the literature in individuals affected with OCRL-related conditions. This variant is not present in population databases (gnomAD no frequency). This sequence change replaces alanine, which is neutral and non-polar, with threonine, which is neutral and polar, at codon 328 of the OCRL protein (p.Ala328Thr).

NM_000276.4(OCRL):c.982G>A (p.Ala328Thr)

Gene: OCRL (OCRL inositol polyphosphate-5-phosphatase; plus strand). Cytogenetic location: Xq26.1.
Variant type: single nucleotide variant.
Coding change: c.982G>A on transcript NM_000276.4 (MANE Select); coding-DNA position 982, G replaced by A.
Protein change: p.Ala328Thr; replaces alanine 328 with threonine.
Molecular consequence: missense variant.
Genome position (GRCh38, 1-based): chrX:129,562,426, G>A. VCF-style: chrX-129562426-G-A. GRCh37 (hg19) VCF-style: chrX-128696403-G-A.
Other names: c.985G>A, p.Ala329Thr (NM_001318784.2); c.982G>A, p.Ala328Thr (NM_001587.4); short protein forms A328T, A329T.
Identifiers: ClinVar variation 2851718 (VCV002851718.3), dbSNP rs2521889012, ClinGen allele CA414552539.
Genomic context (GRCh38, chrX:129,562,426, plus strand): 5'-ACTCCCCGGAACTCATAGGTTCAACTGGTGCGCCTTGTTGGGATGATGCTTCTTATATTT[G>A]CCAGAAAGGATCAGTGTCGATACATTCGTGATATTGCTACAGAAACAGTTGGAACTGGAA-3'
Protein context (NP_000267.2, residues 318-338): RLVGMMLLIF[Ala328Thr]RKDQCRYIRD